The following is an entry in ClinVar:

NM_001042492.3(NF1):c.354C>A (p.Cys118Ter)

Gene: NF1 (neurofibromin 1; plus strand). Cytogenetic location: 17q11.2.
Variant type: single nucleotide variant.
Coding change: c.354C>A on transcript NM_001042492.3 (MANE Select); coding-DNA position 354, C replaced by A.
Protein change: p.Cys118Ter; replaces cysteine 118 with a stop codon.
Molecular consequence: nonsense.
Genome position (GRCh38, 1-based): chr17:31,163,251, C>A. VCF-style: chr17-31163251-C-A. GRCh37 (hg19) VCF-style: chr17-29490269-C-A.
Other names: c.354C>A, p.Cys118Ter (NM_000267.4, NM_001128147.3); short protein forms C118*.
Identifiers: ClinVar variation 1361844 (VCV001361844.6), dbSNP rs768777585, ClinGen allele CA398981771.
Genomic context (GRCh38, chr17:31,163,251, plus strand): 5'-AAAGGACACAATGAGATTAGATGAAACGATGCTGGTCAAACAGTTGCTGCCAGAAATCTG[C>A]CATTTTCTTCACACCTGTCGTGAAGGAAACCAGCATGCAGCTGAACTTCGGAATTCTGCC-3'

ClinVar aggregate classification (germline): Pathogenic (1 of 4 stars; one submission).

Conditions:
Neurofibromatosis, type 1 (NF1). Also called: NEUROFIBROMATOSIS, TYPE I, SOMATIC; VON RECKLINGHAUSEN DISEASE; Neurofibromatosis, type I; Peripheral type neurofibromatosis. Identifiers: Orphanet 636, MedGen C0027831, MONDO:0018975, OMIM 162200. Disease mechanism: loss of function.

Submission:

Labcorp Genetics (formerly Invitae), Labcorp
Classification: Pathogenic for Neurofibromatosis, type 1. Last evaluated: 2021-01-09. Review status: criteria provided, single submitter. Criteria: Invitae Variant Classification Sherloc (09022015). Collection method: clinical testing. Allele origin: germline.
Comment: This sequence change creates a premature translational stop signal (p.Cys118*) in the NF1 gene. It is expected to result in an absent or disrupted protein product. Loss-of-function variants in NF1 are known to be pathogenic (PMID: 10712197, 23913538). This variant is not present in population databases (ExAC no frequency). This variant has not been reported in the literature in individuals with NF1-related conditions. For these reasons, this variant has been classified as Pathogenic.

Literature cited by the submitters: PubMed 10712197; PubMed 23913538.